The following is an entry in ClinVar:

ClinVar aggregate classification (germline): Likely benign. Review status: criteria provided, multiple submitters, no conflicts (2 of 4 stars). 3 submissions from 3 submitters: Likely benign (2). 1 of the submissions does not count toward it. Last evaluated 2025-11-11.

Conditions:
SMARCB1-related disorder. Also called: SMARCB1-related condition; SMARCB1-related disorders.
Hereditary cancer-predisposing syndrome. Also called: Hereditary neoplastic syndrome; Neoplastic Syndromes, Hereditary; Tumor predisposition; Hereditary Cancer Syndrome. Identifiers: Orphanet 140162, MedGen C0027672, MeSH D009386, MONDO:0015356.

Allele frequency attached by ClinVar (database versions not stated): gnomAD 0.00001; gnomAD exomes 0.00003 and 0.00005; TOPMed 0.00003; ExAC 0.00004.
gnomAD v4.1: 73 of 1,614,072 alleles (0.0045%); highest among the groups gnomAD compares: Non-Finnish European, 0.0058%; no homozygotes.

Submissions (3):

Labcorp Genetics (formerly Invitae), Labcorp
Classification: Likely benign. Last evaluated: 2025-11-11. Review status: criteria provided, single submitter. Criteria: Invitae Variant Classification Sherloc (09022015). Collection method: clinical testing. Allele origin: germline.

Ambry Genetics
Classification: Likely benign for Hereditary cancer-predisposing syndrome. Last evaluated: 2017-04-13. Review status: criteria provided, single submitter. Criteria: Ambry Variant Classification Scheme 2023. Collection method: clinical testing. Allele origin: germline.

PreventionGenetics, part of Exact Sciences
Classification: Likely benign for SMARCB1-related condition. Last evaluated: 2019-07-19. Review status: no assertion criteria provided. Collection method: clinical testing. Allele origin: germline. Not counted in ClinVar's aggregate classification.
Comment: This variant is classified as likely benign based on ACMG/AMP sequence variant interpretation guidelines (Richards et al. 2015 PMID: 25741868, with internal and published modifications).

NM_003073.5(SMARCB1):c.510C>T (p.Asp170=)

Gene: SMARCB1 (SWI/SNF related BAF chromatin remodeling complex subunit B1; plus strand). Cytogenetic location: 22q11.23.
Variant type: single nucleotide variant.
Coding change: c.510C>T on transcript NM_003073.5 (MANE Select); coding-DNA position 510, C replaced by T.
Protein change: p.Asp170=; no amino-acid change (aspartic acid 170 retained).
Molecular consequence: synonymous variant.
Genome position (GRCh38, 1-based): chr22:23,803,304, C>T. VCF-style: chr22-23803304-C-T. GRCh37 (hg19) VCF-style: chr22-24145491-C-T.
Other names: c.483C>T, p.Asp161= (NM_001007468.3); c.537C>T, p.Asp179= (NM_001317946.2); c.564C>T, p.Asp188= (NM_001362877.2); c.510C>T (NM_003073.4, LRG_520t1).
Identifiers: ClinVar variation 486501 (VCV000486501.18), dbSNP rs762656012, ClinGen allele CA10145985.
Genomic context (GRCh38, chr22:23,803,304, plus strand): 5'-TACCTAGGGCTCCGGCCCCCTCGCTGACTGTTGCTTCCATTTCACTTTCAGCTTTGATGA[C>T]CATGACCCAGCTGTGATCCATGAGAACGCATCTCAGCCCGAGGTGCTGGTCCCCATCCGG-3'
Protein context (NP_003064.2, residues 160-180): KKRTFPLCFD[Asp170=]HDPAVIHENA